The following is an entry in ClinVar:

NM_004329.3(BMPR1A):c.83G>A (p.Ser28Asn)

Gene: BMPR1A (bone morphogenetic protein receptor type 1A; plus strand). Cytogenetic location: 10q23.2.
Variant type: single nucleotide variant.
Coding change: c.83G>A on transcript NM_004329.3 (MANE Select); coding-DNA position 83, G replaced by A.
Protein change: p.Ser28Asn; replaces serine 28 with asparagine.
Molecular consequence: missense variant.
Genome position (GRCh38, 1-based): chr10:86,890,077, G>A. VCF-style: chr10-86890077-G-A. GRCh37 (hg19) VCF-style: chr10-88649834-G-A.
Other names: short protein forms S28N.
Identifiers: ClinVar variation 216584 (VCV000216584.33), dbSNP rs371904636, ClinGen allele CA336464.
Genomic context (GRCh38, chr10:86,890,077, plus strand): 5'-GCTTTTCAGAAATGATTTACTTACAAATTCCATATTTGAATGCAGGACAGAATCTGGATA[G>A]TATGCTTCATGGCACTGGGATGAAATCAGACTCCGACCAGAAAAAGTCAGAAAATGGAGT-3'
Protein context (NP_004320.2, residues 18-38): ISRVQGQNLD[Ser28Asn]MLHGTGMKSD

ClinVar aggregate classification (germline): Conflicting classifications of pathogenicity. Review status: criteria provided, conflicting classifications (1 of 4 stars). 10 submissions from 10 submitters: Uncertain significance (7); Benign (2). 1 of the submissions does not count toward it. Last evaluated 2026-01-25.

Conditions:
Polyposis syndrome, hereditary mixed, 2. Identifiers: Orphanet 157794, MedGen C1864730, MONDO:0012405, OMIM 610069.
Juvenile polyposis syndrome (JPS). Identifiers: Orphanet 2929, MedGen C0345893, MONDO:0017380, OMIM 174900.
Hereditary cancer-predisposing syndrome. Also called: Tumor predisposition; Hereditary Cancer Syndrome; Neoplastic Syndromes, Hereditary; Hereditary neoplastic syndrome. Identifiers: Orphanet 140162, MedGen C0027672, MeSH D009386, MONDO:0015356.
Generalized juvenile polyposis/juvenile polyposis coli. Also called: Juvenile polyposis coli. Identifiers: Orphanet 329971, MedGen C1868081, MONDO:0008276.

Allele frequency attached by ClinVar (database versions not stated): gnomAD exomes below 0.00001; TOPMed 0.00004; gnomAD 0.00005; ESP Exome Variant Server 0.00008.
gnomAD v4.1: 8 of 1,613,014 alleles (0.0005%); highest among the groups gnomAD compares: African/African-American, 0.011%; no homozygotes.

Submissions (10):

Labcorp Genetics (formerly Invitae), Labcorp
Classification: Uncertain significance for Juvenile polyposis syndrome. Last evaluated: 2026-01-25. Review status: criteria provided, single submitter. Criteria: Invitae Variant Classification Sherloc (09022015). Collection method: clinical testing. Allele origin: germline.
Comment: This sequence change replaces serine, which is neutral and polar, with asparagine, which is neutral and polar, at codon 28 of the BMPR1A protein (p.Ser28Asn). This variant is present in population databases (rs371904636, gnomAD 0.01%). This variant has not been reported in the literature in individuals affected with BMPR1A-related conditions. ClinVar contains an entry for this variant (Variation ID: 216584). Invitae Evidence Modeling incorporating data from in vitro experimental studies (internal data) indicates that this missense variant is not expected to disrupt BMPR1A function with a negative predictive value of 95%. In summary, the available evidence is currently insufficient to determine the role of this variant in disease. Therefore, it has been classified as a Variant of Uncertain Significance.

Color Diagnostics, LLC DBA Color Health
Classification: Benign for Hereditary cancer-predisposing syndrome. Last evaluated: 2025-08-27. Review status: criteria provided, single submitter. Criteria: ACMG Guidelines, 2015. Collection method: clinical testing. Allele origin: germline.

GeneDx
Classification: Uncertain significance. Last evaluated: 2025-05-06. Review status: criteria provided, single submitter. Criteria: GeneDx Variant Classification Process June 2021. Collection method: clinical testing. Allele origin: germline. Affected: yes.
Comment: Not observed at significant frequency in large population cohorts (gnomAD); In silico analysis suggests that this missense variant does not alter protein structure/function; Has not been previously published as pathogenic or benign to our knowledge

Fulgent Genetics
Classification: Uncertain significance for Juvenile polyposis syndrome; Polyposis syndrome, hereditary mixed, 2. Last evaluated: 2024-01-25. Review status: criteria provided, single submitter. Criteria: ACMG Guidelines, 2015. Collection method: clinical testing. Allele origin: germline.

Baylor Genetics
Classification: Uncertain significance for Polyposis syndrome, hereditary mixed, 2. Last evaluated: 2023-12-11. Review status: criteria provided, single submitter. Criteria: ACMG Guidelines, 2015. Collection method: clinical testing. Allele origin: unknown.

All of Us Research Program, National Institutes of Health
Classification: Uncertain significance for Juvenile polyposis syndrome. Last evaluated: 2023-09-05. Review status: criteria provided, single submitter. Criteria: ACMG Guidelines, 2015. Collection method: clinical testing. Allele origin: germline. Inheritance: Autosomal dominant inheritance. Observed: 2 variant alleles, 2 heterozygotes.
Comment: This missense variant replaces serine with asparagine at codon 28 of the BMPR1A protein. Computational prediction suggests that this variant may not impact protein structure and function (internally defined REVEL score threshold <= 0.5, PMID: 27666373). To our knowledge, functional studies have not been reported for this variant. This variant has not been reported in individuals affected with hereditary cancer in the literature. This variant has been identified in 3/282710 chromosomes in the general population by the Genome Aggregation Database (gnomAD). The available evidence is insufficient to determine the role of this variant in disease conclusively. Therefore, this variant is classified as a Variant of Uncertain Significance.

This study involves interpretation of variants in research participants for the purpose of population health screening. Participant phenotype was not available at the time of variant classification. Additional details can be found in publication PMID: 35346344, PMCID: PMC8962531

Myriad Genetics, Inc.
Classification: Uncertain significance for Juvenile polyposis syndrome. Last evaluated: 2023-03-02. Review status: criteria provided, single submitter. Criteria: Myriad Autosomal Dominant, Autosomal Recessive and X-Linked Classification Criteria (2023). Collection method: clinical testing. Allele origin: unknown.
Comment: This variant is classified as a variant of uncertain significance as there is insufficient evidence to determine its impact on protein function and/or cancer risk.

Ambry Genetics
Classification: Benign for Hereditary cancer-predisposing syndrome. Last evaluated: 2021-07-09. Review status: criteria provided, single submitter. Criteria: Ambry Variant Classification Scheme 2023. Collection method: clinical testing. Allele origin: germline.

Illumina Laboratory Services, Illumina
Classification: Uncertain significance for Juvenile polyposis syndrome. Last evaluated: 2018-01-13. Review status: criteria provided, single submitter. Criteria: ICSL Variant Classification Criteria 13 December 2019. Collection method: clinical testing. Allele origin: germline.

Counsyl
Classification: Uncertain significance for Juvenile polyposis syndrome. Last evaluated: 2016-08-29. Review status: no assertion criteria provided. Collection method: clinical testing. Allele origin: unknown. Not counted in ClinVar's aggregate classification.